The following is an entry in ClinVar:

NM_001374828.1(ARID1B):c.3685T>C (p.Cys1229Arg)

Gene: ARID1B (AT-rich interaction domain 1B; plus strand). Cytogenetic location: 6q25.3.
Variant type: single nucleotide variant.
Coding change: c.3685T>C on transcript NM_001374828.1 (MANE Select); coding-DNA position 3685, T replaced by C.
Protein change: p.Cys1229Arg; replaces cysteine 1229 with arginine.
Molecular consequence: missense variant.
Genome position (GRCh38, 1-based): chr6:157,181,149, T>C. VCF-style: chr6-157181149-T-C. GRCh37 (hg19) VCF-style: chr6-157502283-T-C.
Other names: c.1027T>C, p.Cys343Arg (NM_001438488.1); c.3526T>C, p.Cys1176Arg (NM_017519.3); c.1186T>C, p.Cys396Arg (NM_001363725.2); c.3565T>C, p.Cys1189Arg (NM_001371656.1, NM_001374820.1); c.3814T>C, p.Cys1272Arg (NM_001438482.1); c.3727T>C, p.Cys1243Arg (NM_001438483.1); c.3595T>C, p.Cys1199Arg (NM_001438485.1); c.3568T>C, p.Cys1190Arg (NM_001438486.1); and 1 more; short protein forms C1169R, C1176R, C1189R, C1190R, C1199R, C1229R, C1243R, C1272R.
Identifiers: ClinVar variation 4813600 (VCV004813600.1).

ClinVar aggregate classification (germline): Uncertain significance (1 of 4 stars; one submission).

Conditions:
Coffin-Siris syndrome 1 (CSS1). Also called: ARID1B-Related Coffin-Siris Syndrome; Mental retardation, autosomal dominant 12. Identifiers: Orphanet 1465, MedGen C3281201, MONDO:0007617, OMIM 135900. Disease mechanism: gain of function.

Submission:

Mendelics
Classification: Uncertain significance for Coffin-Siris syndrome 1. Last evaluated: 2026-03-05. Review status: criteria provided, single submitter. Criteria: ACMG Guidelines, 2015. Collection method: clinical testing. Allele origin: unknown.
Comment: The available evidence is insufficient to conclusively determine the role of this variant. Therefore, it is classified as a Variant of Uncertain Significance.